The following is an entry in ClinVar:

ClinVar aggregate classification (germline): Uncertain significance. Review status: criteria provided, multiple submitters, no conflicts (2 of 4 stars). 3 submissions from 3 submitters: Uncertain significance (3). Last evaluated 2025-01-29.

Conditions:
Inborn genetic diseases. Identifiers: MedGen C0950123, MeSH D030342.
Atrioventricular septal defect 5 (AVSD5). Identifiers: MedGen C3280939, MONDO:0013769, OMIM 614474.

Allele frequency attached by ClinVar (database versions not stated): gnomAD exomes below 0.00001.
gnomAD v4.1: 2 of 1,532,926 alleles (0.00013%); highest among the groups gnomAD compares: Admixed American, 0.002%; no homozygotes.

Submissions (3):

GeneDx
Classification: Uncertain significance. Last evaluated: 2025-01-29. Review status: criteria provided, single submitter. Criteria: GeneDx Variant Classification Process June 2021. Collection method: clinical testing. Allele origin: germline. Affected: yes.
Comment: Has not been previously published as pathogenic or benign to our knowledge; Not observed at significant frequency in large population cohorts (gnomAD); In silico analysis indicates that this missense variant does not alter protein structure/function

Ambry Genetics
Classification: Uncertain significance for Inborn genetic diseases. Last evaluated: 2022-12-27. Review status: criteria provided, single submitter. Criteria: Ambry Variant Classification Scheme 2023. Collection method: clinical testing. Allele origin: germline.

Labcorp Genetics (formerly Invitae), Labcorp
Classification: Uncertain significance for Atrioventricular septal defect 5. Last evaluated: 2020-09-11. Review status: criteria provided, single submitter. Criteria: Invitae Variant Classification Sherloc (09022015). Collection method: clinical testing. Allele origin: germline.
Comment: The frequency data for this variant in the population databases is considered unreliable, as metrics indicate insufficient coverage at this position in the ExAC database. This sequence change replaces proline with serine at codon 339 of the GATA6 protein (p.Pro339Ser). The proline residue is moderately conserved and there is a moderate physicochemical difference between proline and serine. This variant has not been reported in the literature in individuals with GATA6-related conditions. Algorithms developed to predict the effect of missense changes on protein structure and function (SIFT, PolyPhen-2, Align-GVGD) all suggest that this variant is likely to be tolerated, but these predictions have not been confirmed by published functional studies and their clinical significance is uncertain. In summary, the available evidence is currently insufficient to determine the role of this variant in disease. Therefore, it has been classified as a Variant of Uncertain Significance.

NM_005257.6(GATA6):c.1015C>T (p.Pro339Ser)

Gene: GATA6 (GATA binding protein 6; plus strand). Cytogenetic location: 18q11.2.
Variant type: single nucleotide variant.
Coding change: c.1015C>T on transcript NM_005257.6 (MANE Select); coding-DNA position 1015, C replaced by T.
Protein change: p.Pro339Ser; replaces proline 339 with serine.
Molecular consequence: missense variant.
Genome position (GRCh38, 1-based): chr18:22,172,159, C>T. VCF-style: chr18-22172159-C-T. GRCh37 (hg19) VCF-style: chr18-19752120-C-T.
Other names: c.1015C>T (NM_005257.3, NM_005257.4); short protein forms P339S.
Identifiers: ClinVar variation 998628 (VCV000998628.10), dbSNP rs2033061691, ClinGen allele CA401801629.